The following is an entry in ClinVar:

ClinVar aggregate classification (germline): Uncertain significance. Review status: criteria provided, multiple submitters, no conflicts (2 of 4 stars). 4 submissions from 4 submitters: Uncertain significance (4). Last evaluated 2026-01-20.

Conditions:
Diamond-Blackfan anemia. Also called: Blackfan Diamond syndrome; Aregenerative anemia chronic congenital; Red cell aplasia, pure hereditary; Congenital hypoplastic anemia; Aase syndrome. Identifiers: Orphanet 124, MedGen C1260899, MeSH D029503, MONDO:0015253, HP:0004810.
Diamond-Blackfan anemia 7 (DBA7). Also called: RPL11-Related Diamond-Blackfan Anemia. Identifiers: Orphanet 124, MedGen C2675512, MONDO:0012938, OMIM 612562.

Allele frequency attached by ClinVar (database versions not stated): ExAC 0.00001; gnomAD 0.00001; gnomAD exomes 0.00001; TOPMed 0.00001; ESP Exome Variant Server 0.00008.

Submissions (4):

Women's Health and Genetics/Laboratory Corporation of America, LabCorp
Classification: Uncertain significance. Last evaluated: 2026-01-20. Review status: criteria provided, single submitter. Criteria: LabCorp Variant Classification Summary - May 2015. Collection method: clinical testing. Allele origin: germline.
Comment: Variant summary: RPL11 c.287A>G (p.Lys96Arg) results in a conservative amino acid change in the encoded protein sequence. Algorithms developed to predict the effect of missense changes on protein structure and function are either unavailable or do not agree on the potential impact of this missense change. The variant allele was found at a frequency of 8e-06 in 251360 control chromosomes. The available data on variant occurrences in the general population are insufficient to allow any conclusion about variant significance. To our knowledge, no occurrence of c.287A>G in individuals affected with RPL11-related conditions and no experimental evidence demonstrating its impact on protein function have been reported. ClinVar contains an entry for this variant (Variation ID: 875056). Based on the evidence outlined above, the variant was classified as uncertain significance.

Labcorp Genetics (formerly Invitae), Labcorp
Classification: Uncertain significance for Diamond-Blackfan anemia. Last evaluated: 2025-12-03. Review status: criteria provided, single submitter. Criteria: Invitae Variant Classification Sherloc (09022015). Collection method: clinical testing. Allele origin: germline.
Comment: This sequence change replaces lysine, which is basic and polar, with arginine, which is basic and polar, at codon 96 of the RPL11 protein (p.Lys96Arg). This variant is present in population databases (rs369949969, gnomAD 0.004%). This variant has not been reported in the literature in individuals affected with RPL11-related conditions. ClinVar contains an entry for this variant (Variation ID: 875056). An algorithm developed to predict the effect of missense changes on protein structure and function (PolyPhen-2) suggests that this variant is likely to be tolerated. In summary, the available evidence is currently insufficient to determine the role of this variant in disease. Therefore, it has been classified as a Variant of Uncertain Significance.

Revvity Omics, Revvity
Classification: Uncertain significance for Diamond-Blackfan anemia 7. Last evaluated: 2024-04-16. Review status: criteria provided, single submitter. Criteria: ACMG Guidelines, 2015. Collection method: clinical testing. Allele origin: germline.

Illumina Laboratory Services, Illumina
Classification: Uncertain significance for Diamond-Blackfan anemia 7. Last evaluated: 2018-01-13. Review status: criteria provided, single submitter. Criteria: ICSL Variant Classification Criteria 13 December 2019. Collection method: clinical testing. Allele origin: germline.

NM_000975.5(RPL11):c.287A>G (p.Lys96Arg)

Gene: RPL11 (ribosomal protein L11; plus strand). Cytogenetic location: 1p36.11.
Variant type: single nucleotide variant.
Coding change: c.287A>G on transcript NM_000975.5 (MANE Select); coding-DNA position 287, A replaced by G.
Protein change: p.Lys96Arg; replaces lysine 96 with arginine.
Molecular consequence: missense variant.
Genome position (GRCh38, 1-based): chr1:23,694,682, A>G. VCF-style: chr1-23694682-A-G. GRCh37 (hg19) VCF-style: chr1-24021172-A-G.
Other names: c.284A>G, p.Lys95Arg (NM_001199802.1); short protein forms K95R, K96R.
Identifiers: ClinVar variation 875056 (VCV000875056.8), dbSNP rs369949969, ClinGen allele CA684255.